The following is an entry in ClinVar:

ClinVar aggregate classification (germline): Uncertain significance. Review status: criteria provided, multiple submitters, no conflicts (2 of 4 stars). 2 submissions from 2 submitters: Uncertain significance (2). Last evaluated 2022-08-03.

Conditions:
Charcot-Marie-Tooth disease type 4. Also called: Charcot-Marie-Tooth disease, type IV; Charcot-Marie-Tooth, Type 4. Identifiers: Orphanet 64749, MedGen C4082197, MONDO:0018995.

Allele frequency attached by ClinVar (database versions not stated): ExAC 0.00001; gnomAD exomes below 0.00001.
gnomAD v4.1: 1 of 1,614,194 alleles (0.000062%); no homozygotes.

Submissions (2):

Labcorp Genetics (formerly Invitae), Labcorp
Classification: Uncertain significance for Charcot-Marie-Tooth disease type 4. Last evaluated: 2022-08-03. Review status: criteria provided, single submitter. Criteria: Invitae Variant Classification Sherloc (09022015). Collection method: clinical testing. Allele origin: germline.
Comment: This sequence change replaces glycine, which is neutral and non-polar, with arginine, which is basic and polar, at codon 380 of the SH3TC2 protein (p.Gly380Arg). This variant is present in population databases (rs761184149, gnomAD 0.0009%). This variant has not been reported in the literature in individuals affected with SH3TC2-related conditions. ClinVar contains an entry for this variant (Variation ID: 634623). Algorithms developed to predict the effect of missense changes on protein structure and function (SIFT, PolyPhen-2, Align-GVGD) all suggest that this variant is likely to be tolerated. Algorithms developed to predict the effect of sequence changes on RNA splicing suggest that this variant may disrupt the consensus splice site. In summary, the available evidence is currently insufficient to determine the role of this variant in disease. Therefore, it has been classified as a Variant of Uncertain Significance.

Genomic Research Center, Shahid Beheshti University of Medical Sciences
Classification: Uncertain significance. Last evaluated: 2019-01-01. Review status: criteria provided, single submitter. Criteria: ACMG Guidelines, 2015. Collection method: clinical testing. Allele origin: unknown. Affected: yes. Observed: 1 variant allele.

NM_024577.4(SH3TC2):c.1138G>A (p.Gly380Arg)

Gene: SH3TC2 (SH3 domain and tetratricopeptide repeats 2; minus strand). Cytogenetic location: 5q32.
Variant type: single nucleotide variant.
Coding change: c.1138G>A on transcript NM_024577.4 (MANE Select); coding-DNA position 1138, G replaced by A.
Protein change: p.Gly380Arg; replaces glycine 380 with arginine.
Molecular consequence: missense variant.
Genome position (GRCh38, 1-based): chr5:149,028,716, C>T on the plus strand (G>A on the coding strand, the complement: SH3TC2 is on the minus strand). VCF-style: chr5-149028716-C-T. GRCh37 (hg19) VCF-style: chr5-148408279-C-T.
Other names: short protein forms G380R.
Identifiers: ClinVar variation 634623 (VCV000634623.7), dbSNP rs761184149, ClinGen allele CA3499274.